The following is an entry in ClinVar:

NM_001382508.1(DROSHA):c.248C>G (p.Pro83Arg)

Gene: DROSHA (drosha ribonuclease III; minus strand). Cytogenetic location: 5p13.3.
Variant type: single nucleotide variant.
Coding change: c.248C>G on transcript NM_001382508.1 (MANE Select); coding-DNA position 248, C replaced by G.
Protein change: p.Pro83Arg; replaces proline 83 with arginine.
Molecular consequence: missense variant.
Genome position (GRCh38, 1-based): chr5:31,526,685, G>C on the plus strand (C>G on the coding strand, the complement: DROSHA is on the minus strand). VCF-style: chr5-31526685-G-C. GRCh37 (hg19) VCF-style: chr5-31526792-G-C.
Other names: c.248C>G, p.Pro83Arg (NM_001100412.2, NM_013235.5); short protein forms P83R.
Identifiers: ClinVar variation 3352677 (VCV003352677.1).

ClinVar aggregate classification (germline): Uncertain significance (0 of 4 stars; one submission).

Conditions:
DROSHA-related disorder. Also called: DROSHA-related condition.

gnomAD v4.1: 118 of 1,522,076 alleles (0.0078%); highest among the groups gnomAD compares: Admixed American, 0.016%; no homozygotes.

Submission:

PreventionGenetics, part of Exact Sciences
Classification: Uncertain significance for DROSHA-related condition. Last evaluated: 2024-08-16. Review status: no assertion criteria provided. Collection method: clinical testing. Allele origin: germline.
Comment: The DROSHA c.248C>G variant is predicted to result in the amino acid substitution p.Pro83Arg. To our knowledge, this variant has not been reported in the literature. This variant is reported in 0.028% of alleles in individuals of Latino descent in gnomAD and has not been reported in ClinVar. At this time, the clinical significance of this variant is uncertain due to the absence of conclusive functional and genetic evidence.